The following is an entry in ClinVar:

ClinVar aggregate classification (germline): Uncertain significance (1 of 4 stars; one submission).

Allele frequency attached by ClinVar (database versions not stated): TOPMed 0.00002; ESP Exome Variant Server 0.00008; gnomAD exomes 0.00010; ExAC 0.00011; gnomAD 0.00012.
gnomAD v4.1: 80 of 1,602,722 alleles (0.005%); highest among the groups gnomAD compares: Non-Finnish European, 0.00034%; no homozygotes.

Submission:

GeneDx
Classification: Uncertain significance. Last evaluated: 2022-09-12. Review status: criteria provided, single submitter. Criteria: GeneDx Variant Classification Process June 2021. Collection method: clinical testing. Allele origin: germline. Affected: yes.
Comment: In silico analysis supports that this missense variant does not alter protein structure/function; Has not been previously published as pathogenic or benign to our knowledge

NM_001481.3(DRC4):c.558G>C (p.Glu186Asp)

Gene: DRC4 (dynein regulatory complex subunit 4; plus strand). Cytogenetic location: 16q24.3.
Variant type: single nucleotide variant.
Coding change: c.558G>C on transcript NM_001481.3 (MANE Select); coding-DNA position 558, G replaced by C.
Protein change: p.Glu186Asp; replaces glutamic acid 186 with aspartic acid.
Molecular consequence: missense variant. On other transcripts: 5 prime UTR variant (1).
Genome position (GRCh38, 1-based): chr16:90,036,388, G>C. VCF-style: chr16-90036388-G-C. GRCh37 (hg19) VCF-style: chr16-90102796-G-C.
Other names: c.309G>C, p.Glu103Asp (NM_001286205.2); c.-19G>C (NM_001286208.2); c.483G>C, p.Glu161Asp (NM_001286209.2); short protein forms E103D, E161D, E186D.
Identifiers: ClinVar variation 2444534 (VCV002444534.1), dbSNP rs200116401, ClinGen allele CA8257881.
Genomic context (GRCh38, chr16:90,036,388, plus strand): 5'-GTAGGGGCACCACGTCTTCCTCTGCTAAGCTGCTGTTTGCTGCTGCCTTTCAGAAATTGA[G>C]GCCAAGTATGATAAGAAGATGAAGATGCTGAGGGACGAACTCGACTTGCGGAGAAAGACT-3'
Protein context (NP_001472.1, residues 176-196): NDFERQVREI[Glu186Asp]AKYDKKMKML